The following is an entry in ClinVar:

ClinVar aggregate classification (germline): Likely benign (1 of 4 stars; one submission).

Submission:

CeGaT Center for Human Genetics Tuebingen
Classification: Likely benign. Last evaluated: 2026-06-01. Review status: criteria provided, single submitter. Criteria: CeGaT Center For Human Genetics Tuebingen Variant Classification Criteria Version 2. Collection method: clinical testing. Allele origin: germline. Affected: yes. Observed: 1 variant allele.
Comment: FZD2: BP4, BP7

NM_001466.4(FZD2):c.1200C>A (p.Gly400=)

Gene: FZD2 (frizzled class receptor 2; plus strand). Cytogenetic location: 17q21.31.
Variant type: single nucleotide variant.
Coding change: c.1200C>A on transcript NM_001466.4 (MANE Select); coding-DNA position 1200, C replaced by A.
Protein change: p.Gly400=; no amino-acid change (glycine 400 retained).
Molecular consequence: synonymous variant.
Genome position (GRCh38, 1-based): chr17:44,558,888, C>A. VCF-style: chr17-44558888-C-A. GRCh37 (hg19) VCF-style: chr17-42636256-C-A.
Identifiers: ClinVar variation 4875111 (VCV004875111.2).
Genomic context (GRCh38, chr17:44,558,888, plus strand): 5'-GGCCGTCAAGACCATCACCATCCTGGCCATGGGCCAGATCGACGGCGACCTGCTGAGCGG[C>A]GTGTGCTTCGTAGGCCTCAACAGCCTGGACCCGCTGCGGGGCTTCGTGCTAGCGCCGCTC-3'
Protein context (NP_001457.1, residues 390-410): MGQIDGDLLS[Gly400=]VCFVGLNSLD